The following is an entry in ClinVar:

NM_020759.3(STARD9):c.3799G>A (p.Ala1267Thr)

Gene: STARD9 (StAR related lipid transfer domain containing 9; plus strand). Cytogenetic location: 15q15.2.
Variant type: single nucleotide variant.
Coding change: c.3799G>A on transcript NM_020759.3 (MANE Select); coding-DNA position 3799, G replaced by A.
Protein change: p.Ala1267Thr; replaces alanine 1267 with threonine.
Molecular consequence: missense variant.
Genome position (GRCh38, 1-based): chr15:42,685,377, G>A. VCF-style: chr15-42685377-G-A. GRCh37 (hg19) VCF-style: chr15-42977575-G-A.
Other names: short protein forms A1267T.
Identifiers: ClinVar variation 4891074 (VCV004891074.1).
Genomic context (GRCh38, chr15:42,685,377, plus strand): 5'-GACCAAGAGGCAATATGCAGGCTTGGTCCCATCAACTACAGAACAGCAGCTAGGCTGGAT[G>A]CCGTCCTGCCAATGAGCAGTTCGTTTTACCTTGATCCTCAGTTCCAACCCCATTGTGAGC-3'
Protein context (NP_065810.2, residues 1257-1277): INYRTAARLD[Ala1267Thr]VLPMSSSFYL

ClinVar aggregate classification (germline): Uncertain significance (1 of 4 stars; one submission).

gnomAD v4.1: 105 of 1,536,854 alleles (0.0068%); highest among the groups gnomAD compares: Non-Finnish European, 0.0086%; no homozygotes.

Submission:

Greenwood Genetic Center Diagnostic Laboratories, Greenwood Genetic Center
Classification: Uncertain significance. Last evaluated: 2026-05-14. Review status: criteria provided, single submitter. Criteria: ACMG Guidelines, 2015. Collection method: clinical testing. Allele origin: germline.
Comment: Gene of Uncertain Significance